The following is an entry in ClinVar:

ClinVar aggregate classification (germline): Uncertain significance (1 of 4 stars; one submission).

Conditions:
PTCH1-related disorder. Also called: PTCH1-related disorders; PTCH1-related condition.

Submission:

PreventionGenetics, part of Exact Sciences
Classification: Uncertain significance for PTCH1-related condition. Last evaluated: 2023-08-03. Review status: criteria provided, single submitter. Criteria: ACMG Guidelines, 2015. Collection method: clinical testing. Allele origin: germline.
Comment: The PTCH1 c.575T>C variant is predicted to result in the amino acid substitution p.Met192Thr. To our knowledge, this variant has not been reported in the literature or in a large population database, indicating this variant is rare. At this time, the clinical significance of this variant is uncertain due to the absence of conclusive functional and genetic evidence.

NM_000264.5(PTCH1):c.575T>C (p.Met192Thr)

Gene: PTCH1 (patched 1; minus strand). Cytogenetic location: 9q22.32.
Variant type: single nucleotide variant.
Coding change: c.575T>C on transcript NM_000264.5 (MANE Select); coding-DNA position 575, T replaced by C.
Protein change: p.Met192Thr; replaces methionine 192 with threonine.
Molecular consequence: missense variant. On other transcripts: non-coding transcript variant (1).
Genome position (GRCh38, 1-based): chr9:95,485,694, A>G on the plus strand (T>C on the coding strand, the complement: PTCH1 is on the minus strand). VCF-style: chr9-95485694-A-G. GRCh37 (hg19) VCF-style: chr9-98247976-A-G.
Other names: c.377T>C, p.Met126Thr (NM_001083602.3, NM_001354919.2); c.572T>C, p.Met191Thr (NM_001083603.3); c.122T>C, p.Met41Thr (NM_001083604.3, NM_001083605.3, NM_001083606.3 and 1 more transcripts); c.575T>C, p.Met192Thr (NM_001354918.2); short protein forms M126T, M191T, M192T, M41T.
Identifiers: ClinVar variation 2631439 (VCV002631439.1), dbSNP rs2538266462, ClinGen allele CA374116593.